The following is an entry in ClinVar:

ClinVar aggregate classification (germline): Uncertain significance (1 of 4 stars; one submission).

Submission:

Labcorp Genetics (formerly Invitae), Labcorp
Classification: Uncertain significance. Last evaluated: 2024-07-02. Review status: criteria provided, single submitter. Criteria: Invitae Variant Classification Sherloc (09022015). Collection method: clinical testing. Allele origin: germline.
Comment: This sequence change replaces leucine, which is neutral and non-polar, with proline, which is neutral and non-polar, at codon 138 of the NTRK2 protein (p.Leu138Pro). This variant is not present in population databases (gnomAD no frequency). This variant has not been reported in the literature in individuals affected with NTRK2-related conditions. Advanced modeling of protein sequence and biophysical properties (such as structural, functional, and spatial information, amino acid conservation, physicochemical variation, residue mobility, and thermodynamic stability) performed at Invitae indicates that this missense variant is not expected to disrupt NTRK2 protein function with a negative predictive value of 80%. In summary, the available evidence is currently insufficient to determine the role of this variant in disease. Therefore, it has been classified as a Variant of Uncertain Significance.

NM_006180.6(NTRK2):c.413T>C (p.Leu138Pro)

Gene: NTRK2 (neurotrophic receptor tyrosine kinase 2; plus strand). Cytogenetic location: 9q21.33.
Variant type: single nucleotide variant.
Coding change: c.413T>C on transcript NM_006180.6 (MANE Select); coding-DNA position 413, T replaced by C.
Protein change: p.Leu138Pro; replaces leucine 138 with proline.
Molecular consequence: missense variant. On other transcripts: 5 prime UTR variant (5).
Genome position (GRCh38, 1-based): chr9:84,707,897, T>C. VCF-style: chr9-84707897-T-C. GRCh37 (hg19) VCF-style: chr9-87322812-T-C.
Other names: c.413T>C, p.Leu138Pro (NM_001007097.3, NM_001018064.3, NM_001018065.2 and 18 more transcripts); c.-56T>C (NM_001369535.1, NM_001369536.1, NM_001369550.1 and 2 more transcripts); short protein forms L138P.
Identifiers: ClinVar variation 3658495 (VCV003658495.2).